The following is an entry in ClinVar:

ClinVar aggregate classification (germline): Uncertain significance (1 of 4 stars; one submission).

Submission:

GeneDx
Classification: Uncertain significance. Last evaluated: 2024-02-07. Review status: criteria provided, single submitter. Criteria: GeneDx Variant Classification Process June 2021. Collection method: clinical testing. Allele origin: germline. Affected: yes.
Comment: Not observed at significant frequency in large population cohorts (gnomAD); In silico analysis supports that this missense variant has a deleterious effect on protein structure/function; Has not been previously published as pathogenic or benign to our knowledge

NM_001148.6(ANK2):c.11567C>G (p.Pro3856Arg)

Gene: ANK2 (ankyrin 2; plus strand). Cytogenetic location: 4q26.
Variant type: single nucleotide variant.
Coding change: c.11567C>G on transcript NM_001148.6 (MANE Select); coding-DNA position 11567, C replaced by G.
Protein change: p.Pro3856Arg; replaces proline 3856 with arginine.
Molecular consequence: missense variant.
Genome position (GRCh38, 1-based): chr4:113,369,762, C>G. VCF-style: chr4-113369762-C-G. GRCh37 (hg19) VCF-style: chr4-114290918-C-G.
Other names: c.5285C>G, p.Pro1762Arg (NM_001127493.3); c.5324C>G, p.Pro1775Arg (NM_001354225.2); c.5213C>G, p.Pro1738Arg (NM_001354228.2, NM_001354258.2); c.5291C>G, p.Pro1764Arg (NM_001354230.2); c.5354C>G, p.Pro1785Arg (NM_001354231.2, NM_001354242.2); c.5348C>G, p.Pro1783Arg (NM_001354232.2); c.5309C>G, p.Pro1770Arg (NM_001354235.2, NM_001354246.2, NM_001354265.2); c.5210C>G, p.Pro1737Arg (NM_001354236.2); and 35 more; short protein forms P1610R, P1643R, P1671R, P1676R, P1684R, P1693R, P1696R, P1698R.
Identifiers: ClinVar variation 3368976 (VCV003368976.1).